The following is an entry in ClinVar:

ClinVar aggregate classification (germline): Uncertain significance (1 of 4 stars; one submission).

Conditions:
EGFR-related lung cancer (EGFR). Identifiers: MedGen CN130014.

Submission:

Labcorp Genetics (formerly Invitae), Labcorp
Classification: Uncertain significance for EGFR-related lung cancer. Last evaluated: 2025-10-13. Review status: criteria provided, single submitter. Criteria: Invitae Variant Classification Sherloc (09022015). Collection method: clinical testing. Allele origin: germline.
Comment: This sequence change replaces proline, which is neutral and non-polar, with threonine, which is neutral and polar, at codon 975 of the EGFR protein (p.Pro975Thr). This variant is not present in population databases (gnomAD no frequency). This variant has not been reported in the literature in individuals affected with EGFR-related conditions. Invitae Evidence Modeling of protein sequence and biophysical properties (such as structural, functional, and spatial information, amino acid conservation, physicochemical variation, residue mobility, and thermodynamic stability) indicates that this missense variant is expected to disrupt EGFR protein function with a positive predictive value of 80%. In summary, the available evidence is currently insufficient to determine the role of this variant in disease. Therefore, it has been classified as a Variant of Uncertain Significance.

NM_005228.5(EGFR):c.2923C>A (p.Pro975Thr)

Gene: EGFR (epidermal growth factor receptor; plus strand). Cytogenetic location: 7p11.2.
Variant type: single nucleotide variant.
Coding change: c.2923C>A on transcript NM_005228.5 (MANE Select); coding-DNA position 2923, C replaced by A.
Protein change: p.Pro975Thr; replaces proline 975 with threonine.
Molecular consequence: missense variant.
Genome position (GRCh38, 1-based): chr7:55,200,390, C>A. VCF-style: chr7-55200390-C-A. GRCh37 (hg19) VCF-style: chr7-55268083-C-A.
Other names: c.2788C>A, p.Pro930Thr (NM_001346897.2, NM_001346899.2); c.2923C>A, p.Pro975Thr (NM_001346898.2); c.2764C>A, p.Pro922Thr (NM_001346900.2); c.2122C>A, p.Pro708Thr (NM_001346941.2); short protein forms P922T, P930T, P708T, P975T.
Identifiers: ClinVar variation 4745973 (VCV004745973.1).